The following is an entry in ClinVar:

NM_004304.5(ALK):c.3250C>T (p.Arg1084Cys)

Gene: ALK (ALK receptor tyrosine kinase; minus strand). Cytogenetic location: 2p23.2.
Variant type: single nucleotide variant.
Coding change: c.3250C>T on transcript NM_004304.5 (MANE Select); coding-DNA position 3250, C replaced by T.
Protein change: p.Arg1084Cys; replaces arginine 1084 with cysteine.
Molecular consequence: missense variant.
Genome position (GRCh38, 1-based): chr2:29,223,451, G>A on the plus strand (C>T on the coding strand, the complement: ALK is on the minus strand). VCF-style: chr2-29223451-G-A. GRCh37 (hg19) VCF-style: chr2-29446317-G-A.
Other names: c.46C>T, p.Arg16Cys (NM_001353765.2); short protein forms R16C, R1084C.
Identifiers: ClinVar variation 648334 (VCV000648334.10), dbSNP rs768123237, ClinGen allele CA1594027.

ClinVar aggregate classification (germline): Uncertain significance. Review status: criteria provided, multiple submitters, no conflicts (2 of 4 stars). 3 submissions from 3 submitters: Uncertain significance (3). Last evaluated 2026-01-20.

Conditions:
Hereditary cancer-predisposing syndrome. Also called: Hereditary Cancer Syndrome; Tumor predisposition; Neoplastic Syndromes, Hereditary; Hereditary neoplastic syndrome. Identifiers: Orphanet 140162, MedGen C0027672, MeSH D009386, MONDO:0015356.
Neuroblastoma, susceptibility to, 3. Also called: ALK-Related Neuroblastic Tumor Susceptibility. Identifiers: Orphanet 635, MedGen C2751681, MONDO:0013083, OMIM 613014.

Allele frequency attached by ClinVar (database versions not stated): ExAC 0.00001; gnomAD exomes 0.00001 and 0.00003; TOPMed 0.00001; gnomAD 0.00002.
gnomAD v4.1: 52 of 1,614,048 alleles (0.0032%); highest among the groups gnomAD compares: Non-Finnish European, 0.0041%; no homozygotes.

Submissions (3):

Labcorp Genetics (formerly Invitae), Labcorp
Classification: Uncertain significance for Neuroblastoma, susceptibility to, 3. Last evaluated: 2026-01-20. Review status: criteria provided, single submitter. Criteria: Invitae Variant Classification Sherloc (09022015). Collection method: clinical testing. Allele origin: germline.
Comment: This sequence change replaces arginine, which is basic and polar, with cysteine, which is neutral and slightly polar, at codon 1084 of the ALK protein (p.Arg1084Cys). This variant is present in population databases (rs768123237, gnomAD 0.002%). This variant has not been reported in the literature in individuals affected with ALK-related conditions. ClinVar contains an entry for this variant (Variation ID: 648334). An algorithm developed to predict the effect of missense changes on protein structure and function (PolyPhen-2) suggests that this variant is likely to be tolerated. In summary, the available evidence is currently insufficient to determine the role of this variant in disease. Therefore, it has been classified as a Variant of Uncertain Significance.

Ambry Genetics
Classification: Uncertain significance for Hereditary cancer-predisposing syndrome. Last evaluated: 2025-01-03. Review status: criteria provided, single submitter. Criteria: Ambry Variant Classification Scheme 2023. Collection method: clinical testing. Allele origin: germline.
Comment: The p.R1084C variant (also known as c.3250C>T), located in coding exon 20 of the ALK gene, results from a C to T substitution at nucleotide position 3250. The arginine at codon 1084 is replaced by cysteine, an amino acid with highly dissimilar properties. This amino acid position is highly conserved in available vertebrate species. In addition, the in silico prediction for this alteration is inconclusive. Based on the available evidence, the clinical significance of this variant remains unclear.

Baylor Genetics
Classification: Uncertain significance for Neuroblastoma, susceptibility to, 3. Last evaluated: 2023-10-27. Review status: criteria provided, single submitter. Criteria: ACMG Guidelines, 2015. Collection method: clinical testing. Allele origin: unknown.